The following is an entry in ClinVar:

NM_001039.4(SCNN1G):c.914-7C>T

Gene: SCNN1G (sodium channel epithelial 1 subunit gamma; plus strand). Cytogenetic location: 16p12.2.
Variant type: single nucleotide variant.
Coding change: c.914-7C>T on transcript NM_001039.4 (MANE Select); 7 bases into the intron before coding-DNA position 914, C replaced by T.
Molecular consequence: intron variant.
Genome position (GRCh38, 1-based): chr16:23,197,257, C>T. VCF-style: chr16-23197257-C-T. GRCh37 (hg19) VCF-style: chr16-23208578-C-T.
Other names: p.?.
Identifiers: ClinVar variation 4684080 (VCV004684080.1).

ClinVar aggregate classification (germline): Likely benign (1 of 4 stars; one submission).

gnomAD v4.1: 1 of 1,612,918 alleles (0.000062%); highest among the groups gnomAD compares: Non-Finnish European, 0.000085%; no homozygotes.

Submission:

Mayo Clinic Laboratories, Mayo Clinic
Classification: Likely benign. Last evaluated: 2025-10-03. Review status: criteria provided, single submitter. Criteria: ACMG Guidelines, 2015. Collection method: clinical testing. Allele origin: germline. Observed: 1 variant allele.
Comment: BP7, PM2_supporting